The following is an entry in ClinVar:

ClinVar aggregate classification (germline): Uncertain significance (1 of 4 stars; one submission).

Conditions:
Familial cancer of breast. Also called: hereditary breast carcinoma; Hereditary breast cancer; BREAST CANCER, FAMILIAL. Identifiers: Orphanet 227535, MedGen C0346153, MONDO:0016419, OMIM 114480. Disease mechanism: loss of function.

Submission:

Labcorp Genetics (formerly Invitae), Labcorp
Classification: Uncertain significance for Familial cancer of breast. Last evaluated: 2024-01-10. Review status: criteria provided, single submitter. Criteria: Invitae Variant Classification Sherloc (09022015). Collection method: clinical testing. Allele origin: germline.
Comment: This sequence change replaces asparagine, which is neutral and polar, with aspartic acid, which is acidic and polar, at codon 319 of the BARD1 protein (p.Asn319Asp). This variant is not present in population databases (gnomAD no frequency). This variant has not been reported in the literature in individuals affected with BARD1-related conditions. Algorithms developed to predict the effect of missense changes on protein structure and function output the following: SIFT: "Not Available"; PolyPhen-2: "Benign"; Align-GVGD: "Not Available". The aspartic acid amino acid residue is found in multiple mammalian species, which suggests that this missense change does not adversely affect protein function. In summary, the available evidence is currently insufficient to determine the role of this variant in disease. Therefore, it has been classified as a Variant of Uncertain Significance.

NM_000465.4(BARD1):c.955A>G (p.Asn319Asp)

Gene: BARD1 (BRCA1 associated RING domain 1; minus strand). Cytogenetic location: 2q35.
Variant type: single nucleotide variant.
Coding change: c.955A>G on transcript NM_000465.4 (MANE Select); coding-DNA position 955, A replaced by G.
Protein change: p.Asn319Asp; replaces asparagine 319 with aspartic acid.
Molecular consequence: missense variant. On other transcripts: non-coding transcript variant (2), intron variant (3).
Genome position (GRCh38, 1-based): chr2:214,780,919, T>C on the plus strand (A>G on the coding strand, the complement: BARD1 is on the minus strand). VCF-style: chr2-214780919-T-C. GRCh37 (hg19) VCF-style: chr2-215645643-T-C.
Other names: c.898A>G, p.Asn300Asp (NM_001282543.2); c.159-28364A>G (NM_001282548.2); c.215+16142A>G (NM_001282545.2); c.364+11378A>G (NM_001282549.2); short protein forms N319D, N300D.
Identifiers: ClinVar variation 2708693 (VCV002708693.3), dbSNP rs2469506179, ClinGen allele CA350454761.